The following is an entry in ClinVar:

ClinVar aggregate classification (germline): Likely pathogenic. Review status: criteria provided, single submitter (1 of 4 stars). 2 submissions from 2 submitters: Likely pathogenic (1). 1 of the submissions does not count toward it. Last evaluated 2017-04-04.

Conditions:
Developmental and epileptic encephalopathy, 27 (DEE27). Also called: Epileptic encephalopathy, early infantile, 27; GRIN2B-Related Neurodevelopmental Disorder. Identifiers: Orphanet 3451, MedGen C4015316, MONDO:0014505, OMIM 616139.
Intellectual developmental disorder, autosomal dominant 6, with or without seizures. Also called: GRIN2B-related developmental delay, intellectual disability and autism spectrum disorder; Intellectual disability, autosomal dominant 6. Identifiers: Orphanet 589547, MedGen C3151411, MONDO:0013509, OMIM 613970.

Submissions (2):

Institute of Human Genetics, University of Leipzig Medical Center
Classification: Likely pathogenic for Intellectual developmental disorder, autosomal dominant 6, with or without seizures. Last evaluated: 2017-04-04. Review status: criteria provided, single submitter. Criteria: ACMG Guidelines, 2015. Collection method: clinical testing. Allele origin: de novo. Affected: yes.
Comment: This variant was identified as de novo (maternity and paternity confirmed).

OMIM
Classification: Pathogenic for DEVELOPMENTAL AND EPILEPTIC ENCEPHALOPATHY 27. Last evaluated: 2014-01-01. Review status: no assertion criteria provided. Collection method: literature only. Allele origin: germline. Not counted in ClinVar's aggregate classification.

Literature cited by the submitters: PubMed 28377535 (cited by Institute of Human Genetics, University of Leipzig Medical Center); PubMed 24272827 (cited by OMIM).

NM_000834.5(GRIN2B):c.1853T>G (p.Val618Gly)

Gene: GRIN2B (glutamate ionotropic receptor NMDA type subunit 2B; minus strand). Cytogenetic location: 12p13.1.
Variant type: single nucleotide variant.
Coding change: c.1853T>G on transcript NM_000834.5 (MANE Select); coding-DNA position 1853, T replaced by G.
Protein change: p.Val618Gly; replaces valine 618 with glycine.
Molecular consequence: missense variant.
Genome position (GRCh38, 1-based): chr12:13,608,760, A>C on the plus strand (T>G on the coding strand, the complement: GRIN2B is on the minus strand). VCF-style: chr12-13608760-A-C. GRCh37 (hg19) VCF-style: chr12-13761694-A-C.
Other names: short protein forms V618G.
Identifiers: ClinVar variation 162085 (VCV000162085.3), dbSNP rs672601376, ClinGen allele CA174968.
Genomic context (GRCh38, chr12:13,608,760, plus strand): 5'-AAGAAGGCCCACACTGACACCATGATCTTGGAGGTGGTCCCCTTTGGGTTCTGCACAGGT[A>C]CGGAGTTGTTAAACACCAGACCCCAGAGCAACCAAATAGCTTTGCCGATGGTGAAAGAGG-3'
Protein context (NP_000825.2, residues 608-628): LLWGLVFNNS[Val618Gly]PVQNPKGTTS